The following is an entry in ClinVar:

ClinVar aggregate classification (germline): Pathogenic/Likely pathogenic. Review status: criteria provided, multiple submitters, no conflicts (2 of 4 stars). 2 submissions from 2 submitters: Pathogenic (1); Likely pathogenic (1). Last evaluated 2023-10-13.

Conditions:
Severe intellectual disability-progressive spastic diplegia syndrome (NEDSDV). Also called: NEURODEVELOPMENTAL DISORDER WITH SPASTIC DIPLEGIA AND VISUAL DEFECTS; CTNNB1 Neurodevelopmental Disorder. Identifiers: Orphanet 404473, MedGen C3554449, MONDO:0014035, OMIM 615075.

Submissions (2):

Labcorp Genetics (formerly Invitae), Labcorp
Classification: Pathogenic. Last evaluated: 2023-10-13. Review status: criteria provided, single submitter. Criteria: Invitae Variant Classification Sherloc (09022015). Collection method: clinical testing. Allele origin: germline.
Comment: This sequence change creates a premature translational stop signal (p.Met437Profs*17) in the CTNNB1 gene. It is expected to result in an absent or disrupted protein product. Loss-of-function variants in CTNNB1 are known to be pathogenic (PMID: 23033978, 24614104, 25326669, 26350204, 28575650). This variant is not present in population databases (gnomAD no frequency). This variant has not been reported in the literature in individuals affected with CTNNB1-related conditions. ClinVar contains an entry for this variant (Variation ID: 2025033). For these reasons, this variant has been classified as Pathogenic.

3billion
Classification: Likely pathogenic for Severe intellectual disability-progressive spastic diplegia syndrome. Review status: criteria provided, single submitter. Criteria: ACMG Guidelines, 2015. Collection method: clinical testing. Allele origin: unknown. Affected: yes. Observed: 1 heterozygote.
Comment: The variant is not observed in the gnomAD v2.1.1 dataset. The variant is predicted to result in a loss or disruption of normal protein function through nonsense-mediated decay (NMD) or protein truncation. Multiple pathogenic variants are reported downstream of the variant. Therefore, this variant is classified as Likely pathogenic according to the recommendation of ACMG/AMP guideline.

Literature cited by the submitters: PubMed 23033978 (cited by Labcorp Genetics (formerly Invitae), Labcorp); PubMed 24614104 (cited by Labcorp Genetics (formerly Invitae), Labcorp); PubMed 25326669 (cited by Labcorp Genetics (formerly Invitae), Labcorp); PubMed 26350204 (cited by Labcorp Genetics (formerly Invitae), Labcorp); PubMed 28575650 (cited by Labcorp Genetics (formerly Invitae), Labcorp).

NM_001904.4(CTNNB1):c.1309_1316del (p.Met437fs)

Genes: CTNNB1 (catenin beta 1; plus strand), LOC126806659 (BRD4-independent group 4 enhancer GRCh37_chr3:41274918-41276117; plus strand). Cytogenetic location: 3p22.1.
Variant type: Deletion.
Coding change: c.1309_1316del on transcript NM_001904.4 (MANE Select); coding-DNA positions 1309 to 1316, 8 bases deleted (ATGGTCTG; older notation c.1309_1316delATGGTCTG).
Protein change: p.Met437fs; shifts the reading frame from methionine 437.
Molecular consequence: frameshift variant.
Genome position (GRCh38, 1-based): chr3:41,233,652-41,233,659, ATGGTCTG deleted; deleting any 8 consecutive bases within chr3:41,233,650-41,233,659 gives the same sequence; the c. name uses the placement nearest the transcript's 3' end. VCF-style (leftmost placement, unchanged base first): chr3-41233649-ATGATGGTC-A. GRCh37 (hg19) VCF-style: chr3-41275140-ATGATGGTC-A.
Other names: c.1309_1316del, p.Met437fs (NM_001098209.2, NM_001098210.2); c.1288_1295del, p.Met430fs (NM_001330729.2); short protein forms M430fs, M437fs.
Identifiers: ClinVar variation 2025033 (VCV002025033.5), dbSNP rs2470829140, ClinGen allele CA2580069815.